The following is an entry in ClinVar:

NM_021956.5(GRIK2):c.689G>A (p.Cys230Tyr)

Gene: GRIK2 (glutamate ionotropic receptor kainate type subunit 2; plus strand). Cytogenetic location: 6q16.3.
Variant type: single nucleotide variant.
Coding change: c.689G>A on transcript NM_021956.5 (MANE Select); coding-DNA position 689, G replaced by A.
Protein change: p.Cys230Tyr; replaces cysteine 230 with tyrosine.
Molecular consequence: missense variant.
Genome position (GRCh38, 1-based): chr6:101,676,770, G>A. VCF-style: chr6-101676770-G-A. GRCh37 (hg19) VCF-style: chr6-102124645-G-A.
Other names: c.689G>A, p.Cys230Tyr (NM_001166247.1, NM_175768.3); short protein forms C230Y.
Identifiers: ClinVar variation 3900852 (VCV003900852.1).

ClinVar aggregate classification (germline): Uncertain significance (1 of 4 stars; one submission).

Submission:

GeneDx
Classification: Uncertain significance. Last evaluated: 2024-11-27. Review status: criteria provided, single submitter. Criteria: GeneDx Variant Classification Process June 2021. Collection method: clinical testing. Allele origin: germline. Affected: yes.
Comment: Not observed at significant frequency in large population cohorts (gnomAD); In silico analysis supports that this missense variant has a deleterious effect on protein structure/function; Has not been previously published as pathogenic or benign to our knowledge